The following is an entry in ClinVar:

NM_004714.3(DYRK1B):c.313G>A (p.Glu105Lys)

Gene: DYRK1B (dual specificity tyrosine phosphorylation regulated kinase 1B; minus strand). Cytogenetic location: 19q13.2.
Variant type: single nucleotide variant.
Coding change: c.313G>A on transcript NM_004714.3 (MANE Select); coding-DNA position 313, G replaced by A.
Protein change: p.Glu105Lys; replaces glutamic acid 105 with lysine.
Molecular consequence: missense variant.
Genome position (GRCh38, 1-based): chr19:39,830,434, C>T on the plus strand (G>A on the coding strand, the complement: DYRK1B is on the minus strand). VCF-style: chr19-39830434-C-T. GRCh37 (hg19) VCF-style: chr19-40321074-C-T.
Other names: c.313G>A, p.Glu105Lys (NM_006483.3, NM_006484.3); short protein forms E105K.
Identifiers: ClinVar variation 4978581 (VCV004978581.1).
Genomic context (GRCh38, chr19:39,830,434, plus strand): 5'-CCTGGCCAAAGGAGCCTTTGCCAATGAGCGAGTCAATTTCGTAGCGCTCCAGCCAGCGCT[C>T]GCCACTGCGCACGATGTAGTCATGGTTGTCGTCATCATAACCATGGTTCAGGACCTTCTT-3'
Protein context (NP_004705.1, residues 95-115): DNHDYIVRSG[Glu105Lys]RWLERYEIDS

ClinVar aggregate classification (germline): Uncertain significance (1 of 4 stars; one submission).

Conditions:
DYRK1B-related disorder. Also called: DYRK1B-related condition.

gnomAD v4.1: 3 of 1,614,160 alleles (0.00019%); highest among the groups gnomAD compares: African/African-American, 0.0013%; no homozygotes.

Submission:

PreventionGenetics, part of Exact Sciences
Classification: Uncertain significance for DYRK1B-related condition. Last evaluated: 2026-08-20. Review status: criteria provided, single submitter. Criteria: ACMG Guidelines, 2015. Collection method: clinical testing. Allele origin: germline.
Comment: The DYRK1B c.313G>A variant is predicted to result in the amino acid substitution p.Glu105Lys. To our knowledge, this variant has not been reported in the literature. This variant is reported in 0.0062% of alleles in individuals of African descent in gnomAD. At this time, the clinical significance of this variant is uncertain due to the absence of conclusive functional and genetic evidence.